The following is an entry in ClinVar:

NM_005391.5(PDK3):c.203C>T (p.Pro68Leu)

Gene: PDK3 (pyruvate dehydrogenase kinase 3; plus strand). Cytogenetic location: Xp22.11.
Variant type: single nucleotide variant.
Coding change: c.203C>T on transcript NM_005391.5 (MANE Select); coding-DNA position 203, C replaced by T.
Protein change: p.Pro68Leu; replaces proline 68 with leucine.
Molecular consequence: missense variant.
Genome position (GRCh38, 1-based): chrX:24,494,838, C>T. VCF-style: chrX-24494838-C-T. GRCh37 (hg19) VCF-style: chrX-24512955-C-T.
Other names: c.203C>T, p.Pro68Leu (NM_001142386.3); short protein forms P68L.
Identifiers: ClinVar variation 1410075 (VCV001410075.8), dbSNP rs373610926, ClinGen allele CA10372237.

ClinVar aggregate classification (germline): Uncertain significance (1 of 4 stars; one submission).

Conditions:
Charcot-Marie-Tooth disease X-linked dominant 6. Also called: CHARCOT-MARIE-TOOTH NEUROPATHY, X-LINKED DOMINANT, 6. Identifiers: Orphanet 352675, MedGen C3806702, MONDO:0010479, OMIM 300905.

Allele frequency attached by ClinVar (database versions not stated): gnomAD exomes below 0.00001 and 0.00001; ExAC 0.00001; TOPMed 0.00002; ESP Exome Variant Server 0.00009.
gnomAD v4.1: 9 of 1,204,477 alleles (0.00075%); highest among the groups gnomAD compares: African/African-American, 0.0088%; no homozygotes.

Submission:

Labcorp Genetics (formerly Invitae), Labcorp
Classification: Uncertain significance for Charcot-Marie-Tooth disease X-linked dominant 6. Last evaluated: 2020-12-29. Review status: criteria provided, single submitter. Criteria: Invitae Variant Classification Sherloc (09022015). Collection method: clinical testing. Allele origin: germline.
Comment: In summary, the available evidence is currently insufficient to determine the role of this variant in disease. Therefore, it has been classified as a Variant of Uncertain Significance. Algorithms developed to predict the effect of missense changes on protein structure and function (SIFT, PolyPhen-2, Align-GVGD) all suggest that this variant is likely to be disruptive, but these predictions have not been confirmed by published functional studies and their clinical significance is uncertain. This variant has not been reported in the literature in individuals with PDK3-related conditions. This variant is present in population databases (rs373610926, ExAC 0.01%). This sequence change replaces proline with leucine at codon 68 of the PDK3 protein (p.Pro68Leu). The proline residue is highly conserved and there is a moderate physicochemical difference between proline and leucine.